The following is an entry in ClinVar:

ClinVar aggregate classification (germline): Uncertain significance. Review status: criteria provided, multiple submitters, no conflicts (2 of 4 stars). 3 submissions from 3 submitters: Uncertain significance (3). Last evaluated 2025-05-07.

Conditions:
PRKG1-related disorder. Also called: PRKG1-related condition.
Familial thoracic aortic aneurysm and aortic dissection (TAAD). Also called: Thoracic aortic aneurysms and dissections. Identifiers: Orphanet 91387, MedGen C4707243, MONDO:0019625.
Aortic aneurysm, familial thoracic 8 (AAT8). Identifiers: MedGen C3809513, MONDO:0014187, OMIM 615436.

gnomAD v4.1: 16 of 1,612,280 alleles (0.00099%); highest among the groups gnomAD compares: African/African-American, 0.004%; no homozygotes.

Submissions (3):

Ambry Genetics
Classification: Uncertain significance for Familial thoracic aortic aneurysm and aortic dissection. Last evaluated: 2025-05-07. Review status: criteria provided, single submitter. Criteria: Ambry Variant Classification Scheme 2023. Collection method: clinical testing. Allele origin: germline.
Comment: The p.V234I variant (also known as c.700G>A), located in coding exon 5 of the PRKG1 gene, results from a G to A substitution at nucleotide position 700. The valine at codon 234 is replaced by isoleucine, an amino acid with highly similar properties. This amino acid position is highly conserved in available vertebrate species. In addition, this alteration is predicted to be tolerated by in silico analysis. Based on the available evidence, the clinical significance of this variant remains unclear.

Labcorp Genetics (formerly Invitae), Labcorp
Classification: Uncertain significance for Aortic aneurysm, familial thoracic 8. Last evaluated: 2025-01-01. Review status: criteria provided, single submitter. Criteria: Invitae Variant Classification Sherloc (09022015). Collection method: clinical testing. Allele origin: germline.
Comment: This sequence change replaces valine, which is neutral and non-polar, with isoleucine, which is neutral and non-polar, at codon 234 of the PRKG1 protein (p.Val234Ile). This variant is present in population databases (rs368571406, gnomAD 0.01%). This variant has not been reported in the literature in individuals affected with PRKG1-related conditions. ClinVar contains an entry for this variant (Variation ID: 2082951). An algorithm developed to predict the effect of missense changes on protein structure and function (PolyPhen-2) suggests that this variant is likely to be disruptive. In summary, the available evidence is currently insufficient to determine the role of this variant in disease. Therefore, it has been classified as a Variant of Uncertain Significance.

PreventionGenetics, part of Exact Sciences
Classification: Uncertain significance for PRKG1-related condition. Last evaluated: 2023-07-18. Review status: criteria provided, single submitter. Criteria: ACMG Guidelines, 2015. Collection method: clinical testing. Allele origin: germline.
Comment: The PRKG1 c.700G>A variant is predicted to result in the amino acid substitution p.Val234Ile. This variant has been reported as de novo in an individual from a cohort of children with neurodevelopmental disorders along with other do novo synonymous variants in ELP4 and DMBT1 genes (reported with genomic position 53667268 in Table S2, Turner et al. 2019. PubMed ID: 31785789). This variant is reported in 0.012% of alleles in individuals of African descent in gnomAD. At this time, the clinical significance of this variant is uncertain due to the absence of conclusive functional and genetic evidence.

NM_006258.4(PRKG1):c.700G>A (p.Val234Ile)

Gene: PRKG1 (protein kinase cGMP-dependent 1; plus strand). Cytogenetic location: 10q21.1.
Variant type: single nucleotide variant.
Coding change: c.700G>A on transcript NM_006258.4 (MANE Select); coding-DNA position 700, G replaced by A.
Protein change: p.Val234Ile; replaces valine 234 with isoleucine.
Molecular consequence: missense variant.
Genome position (GRCh38, 1-based): chr10:51,907,508, G>A. VCF-style: chr10-51907508-G-A. GRCh37 (hg19) VCF-style: chr10-53667268-G-A.
Other names: c.700G>A (NM_006258.3); c.655G>A, p.Val219Ile (NM_001098512.3); c.700G>A, p.Val234Ile (NM_001374782.1); short protein forms V234I, V219I.
Identifiers: ClinVar variation 2082951 (VCV002082951.5), dbSNP rs368571406, ClinGen allele CA5503591.